The following is an entry in ClinVar:

NM_000018.4(ACADVL):c.879-14C>G

Gene: ACADVL (acyl-CoA dehydrogenase very long chain; plus strand). Cytogenetic location: 17p13.1.
Variant type: single nucleotide variant.
Coding change: c.879-14C>G on transcript NM_000018.4 (MANE Select); 14 bases into the intron before coding-DNA position 879, C replaced by G.
Molecular consequence: intron variant.
Genome position (GRCh38, 1-based): chr17:7,222,653, C>G. VCF-style: chr17-7222653-C-G. GRCh37 (hg19) VCF-style: chr17-7125972-C-G.
Other names: c.948-14C>G (NM_001270447.2); c.651-14C>G (NM_001270448.2); c.813-14C>G (NM_001033859.3).
Identifiers: ClinVar variation 2131744 (VCV002131744.2), dbSNP rs2508313974, ClinGen allele CA2580094763.

ClinVar aggregate classification (germline): Uncertain significance (1 of 4 stars; one submission).

Conditions:
Very long chain acyl-CoA dehydrogenase deficiency (ACADVLD). Also called: VLCAD Deficiency; Very Long-Chain Acyl-Coenzyme A Dehydrogenase Deficiency. Identifiers: Orphanet 26793, MedGen C3887523, MONDO:0008723, OMIM 201475.

Submission:

Labcorp Genetics (formerly Invitae), Labcorp
Classification: Uncertain significance for Very long chain acyl-CoA dehydrogenase deficiency. Last evaluated: 2025-04-04. Review status: criteria provided, single submitter. Criteria: Invitae Variant Classification Sherloc (09022015). Collection method: clinical testing. Allele origin: germline.
Comment: This sequence change falls in intron 9 of the ACADVL gene. It does not directly change the encoded amino acid sequence of the ACADVL protein. This variant is not present in population databases (gnomAD no frequency). This variant has not been reported in the literature in individuals affected with ACADVL-related conditions. ClinVar contains an entry for this variant (Variation ID: 2131744). Algorithms developed to predict the effect of sequence changes on RNA splicing suggest that this variant may disrupt the consensus splice site. In summary, the available evidence is currently insufficient to determine the role of this variant in disease. Therefore, it has been classified as a Variant of Uncertain Significance.